The following is an entry in ClinVar:

ClinVar aggregate classification (germline): Uncertain significance (1 of 4 stars; one submission).

Conditions:
Familial cold autoinflammatory syndrome 3 (FCAS3). Also called: FAMILIAL ATYPICAL COLD URTICARIA; ANTIBODY DEFICIENCY AND IMMUNE DYSREGULATION, PLCG2-ASSOCIATED. Identifiers: Orphanet 300359, MedGen C3280914, MONDO:0013766, OMIM 614468.

Allele frequency attached by ClinVar (database versions not stated): TOPMed below 0.00001.

Submission:

Labcorp Genetics (formerly Invitae), Labcorp
Classification: Uncertain significance for Familial cold autoinflammatory syndrome 3. Last evaluated: 2023-10-14. Review status: criteria provided, single submitter. Criteria: Invitae Variant Classification Sherloc (09022015). Collection method: clinical testing. Allele origin: germline.
Comment: This sequence change replaces glutamine, which is neutral and polar, with glutamic acid, which is acidic and polar, at codon 979 of the PLCG2 protein (p.Gln979Glu). This variant is not present in population databases (gnomAD no frequency). This variant has not been reported in the literature in individuals affected with PLCG2-related conditions. An algorithm developed to predict the effect of missense changes on protein structure and function (PolyPhen-2) suggests that this variant is likely to be tolerated. In summary, the available evidence is currently insufficient to determine the role of this variant in disease. Therefore, it has been classified as a Variant of Uncertain Significance.

NM_002661.5(PLCG2):c.2935C>G (p.Gln979Glu)

Gene: PLCG2 (phospholipase C gamma 2; plus strand). Cytogenetic location: 16q23.3.
Variant type: single nucleotide variant.
Coding change: c.2935C>G on transcript NM_002661.5 (MANE Select); coding-DNA position 2935, C replaced by G.
Protein change: p.Gln979Glu; replaces glutamine 979 with glutamic acid.
Molecular consequence: missense variant.
Genome position (GRCh38, 1-based): chr16:81,936,261, C>G. VCF-style: chr16-81936261-C-G. GRCh37 (hg19) VCF-style: chr16-81969866-C-G.
Other names: c.2935C>G, p.Gln979Glu (NM_001425749.1, NM_001425750.1, NM_001425751.1); short protein forms Q979E.
Identifiers: ClinVar variation 2768489 (VCV002768489.3), dbSNP rs1001549363, ClinGen allele CA285188055.